The following is an entry in ClinVar:

ClinVar aggregate classification (oncogenicity): Uncertain significance (0 of 4 stars; one submission).

Conditions:
Chronic myeloid leukemia. Also called: Chronic myelogenous leukemia; Chronic myelogenous leukemia, BCR-ABL1 positive. Identifiers: Orphanet 521, MedGen C0279543, MeSH D015464, MONDO:0011996, OMIM 608232, HP:0005506.

Submission:

Genomics Lab, University of Education
Classification: Uncertain significance for Chronic Myeloid Leukemia. Last evaluated: 2025-05-22. Review status: no assertion criteria provided. Collection method: research. Allele origin: somatic. Affected: yes.
Comment: This missense variant lies within a recognized mutation cluster region (exon 13) of the ASXL1 gene. While aspartic acid and glutamic acid are chemically similar, the region is highly conserved, and alterations here have been recurrently observed in myeloid cancers. In silico predictors suggest possible deleterious effects.However, functional validation is limited, and no germline pathogenic evidence has been documented.

Literature cited by the submitters: PubMed 36068610.

NM_015338.6(ASXL1):c.2001T>G (p.Asp667Glu)

Gene: ASXL1 (ASXL transcriptional regulator 1; plus strand). Cytogenetic location: 20q11.21.
Variant type: single nucleotide variant.
Coding change: c.2001T>G on transcript NM_015338.6 (MANE Select); coding-DNA position 2001, T replaced by G.
Protein change: p.Asp667Glu; replaces aspartic acid 667 with glutamic acid.
Molecular consequence: missense variant.
Genome position (GRCh38, 1-based): chr20:32,434,713, T>G. VCF-style: chr20-32434713-T-G. GRCh37 (hg19) VCF-style: chr20-31022516-T-G.
Other names: c.1818T>G, p.Asp606Glu (NM_001363734.1); short protein forms D606E, D667E.
Identifiers: ClinVar variation 4056462 (VCV004056462.1).